The following is an entry in ClinVar:

NM_015378.4(VPS13D):c.51T>G (p.Tyr17Ter)

Gene: VPS13D (vacuolar protein sorting 13 homolog D; plus strand). Cytogenetic location: 1p36.22.
Variant type: single nucleotide variant.
Coding change: c.51T>G on transcript NM_015378.4 (MANE Select); coding-DNA position 51, T replaced by G.
Protein change: p.Tyr17Ter; replaces tyrosine 17 with a stop codon.
Molecular consequence: nonsense.
Genome position (GRCh38, 1-based): chr1:12,234,317, T>G. VCF-style: chr1-12234317-T-G. GRCh37 (hg19) VCF-style: chr1-12294374-T-G.
Other names: c.51T>G, p.Tyr17Ter (NM_018156.4); short protein forms Y17*.
Identifiers: ClinVar variation 4076300 (VCV004076300.1).

ClinVar aggregate classification (germline): Uncertain significance (1 of 4 stars; one submission).

Conditions:
Autosomal recessive cerebellar ataxia-saccadic intrusion syndrome. Also called: VPS13D Movement Disorder; SPINOCEREBELLAR ATAXIA 24. Identifiers: Orphanet 95434, MedGen C1846492, MONDO:0011811, OMIM 607317.

Submission:

Laboratorio de Genetica e Diagnostico Molecular, Hospital Israelita Albert Einstein
Classification: Uncertain significance for Autosomal recessive cerebellar ataxia-saccadic intrusion syndrome. Last evaluated: 2024-09-16. Review status: criteria provided, single submitter. Criteria: ACMG Guidelines, 2015. Collection method: clinical testing. Allele origin: germline. Affected: yes.
Comment: ACMG classification criteria: PVS1 strong, PM2 supporting